The following is an entry in ClinVar:

NM_017757.3(ZNF407):c.2819C>A (p.Thr940Asn)

Genes: ZNF407 (zinc finger protein 407; plus strand), LOC126862798 (MED14-independent group 3 enhancer GRCh37_chr18:72345358-72346557; plus strand). Cytogenetic location: 18q22.3.
Variant type: single nucleotide variant.
Coding change: c.2819C>A on transcript NM_017757.3 (MANE Select); coding-DNA position 2819, C replaced by A.
Protein change: p.Thr940Asn; replaces threonine 940 with asparagine.
Molecular consequence: missense variant.
Genome position (GRCh38, 1-based): chr18:74,633,838, C>A. VCF-style: chr18-74633838-C-A. GRCh37 (hg19) VCF-style: chr18-72345794-C-A.
Other names: c.2819C>A, p.Thr940Asn (NM_001146189.1, NM_001146190.1, NM_001384475.1); short protein forms T940N.
Identifiers: ClinVar variation 4535403 (VCV004535403.6).

ClinVar aggregate classification (germline): Uncertain significance (1 of 4 stars; one submission).

Submission:

CeGaT Center for Human Genetics Tuebingen
Classification: Uncertain significance. Last evaluated: 2025-11-01. Review status: criteria provided, single submitter. Criteria: CeGaT Center For Human Genetics Tuebingen Variant Classification Criteria Version 2. Collection method: clinical testing. Allele origin: germline. Affected: yes. Observed: 1 variant allele.
Comment: ZNF407: PM2, BP4